The following is an entry in ClinVar:

NM_000371.4(TTR):c.304C>T (p.Leu102Phe)

Gene: TTR (transthyretin; plus strand). Cytogenetic location: 18q12.1.
Variant type: single nucleotide variant.
Coding change: c.304C>T on transcript NM_000371.4 (MANE Select); coding-DNA position 304, C replaced by T.
Protein change: p.Leu102Phe; replaces leucine 102 with phenylalanine.
Molecular consequence: missense variant.
Genome position (GRCh38, 1-based): chr18:31,595,223, C>T. VCF-style: chr18-31595223-C-T. GRCh37 (hg19) VCF-style: chr18-29175186-C-T.
Other names: short protein forms L102F.
Identifiers: ClinVar variation 430522 (VCV000430522.10), dbSNP rs1131692003, ClinGen allele CA402157099.

ClinVar aggregate classification (germline): Uncertain significance. Review status: criteria provided, multiple submitters, no conflicts (2 of 4 stars). 3 submissions from 3 submitters: Uncertain significance (3). Last evaluated 2023-02-18.

Conditions:
Amyloidosis, hereditary systemic 1 (AMYLD1). Also called: Familial amyloid polyneuropathy; Transthyretin Amyloidosis; AMYLOID CARDIOMYOPATHY; Hereditary oculoleptomeningeal amyloid angiopathy; Familial Transthyretin Amyloidosis; Hereditary Transthyretin Amyloidosis. Identifiers: Orphanet 85447, Orphanet 85451, MedGen C2751492, MONDO:0971004, OMIM 105210.

Submissions (3):

Labcorp Genetics (formerly Invitae), Labcorp
Classification: Uncertain significance for Amyloidosis, hereditary systemic 1. Last evaluated: 2023-02-18. Review status: criteria provided, single submitter. Criteria: Invitae Variant Classification Sherloc (09022015). Collection method: clinical testing. Allele origin: germline.
Comment: Advanced modeling of protein sequence and biophysical properties (such as structural, functional, and spatial information, amino acid conservation, physicochemical variation, residue mobility, and thermodynamic stability) performed at Invitae indicates that this missense variant is expected to disrupt TTR protein function. In summary, the available evidence is currently insufficient to determine the role of this variant in disease. Therefore, it has been classified as a Variant of Uncertain Significance. This sequence change replaces leucine, which is neutral and non-polar, with phenylalanine, which is neutral and non-polar, at codon 102 of the TTR protein (p.Leu102Phe). This variant is not present in population databases (gnomAD no frequency). This variant has not been reported in the literature in individuals affected with TTR-related conditions. ClinVar contains an entry for this variant (Variation ID: 430522).

GeneDx
Classification: Uncertain significance. Last evaluated: 2018-10-30. Review status: criteria provided, single submitter. Criteria: GeneDx Variant Classification (06012015). Collection method: clinical testing. Allele origin: germline. Affected: yes.
Comment: A variant of uncertain significance has been identified in the TTR gene. The L102F variant has not been published as a pathogenic variant, nor has it been reported as a benign variant to our knowledge. The L102F variant is a conservative amino acid substitution, which is not likely to impact secondary protein structure as these residues share similar properties. In-silico analyses, including protein predictors and evolutionary conservation, support that this variant does not alter protein structure/function. However, the L102F variant is not observed in large population cohorts (Lek et al., 2016). Additionally, missense variants in nearby residues have been reported in the Human Gene Mutation Database in individuals with TTR-related disorders (Stenson et al., 2014). Therefore, based on the currently available information, it is unclear whether this variant is a pathogenic variant or a rare benign variant.

Blueprint Genetics
Classification: Uncertain significance. Last evaluated: 2018-02-07. Review status: criteria provided, single submitter. Criteria: ACMG Guidelines, 2015. Collection method: clinical testing. Allele origin: germline.